The following is an entry in ClinVar:

ClinVar aggregate classification (germline): other (0 of 4 stars; one submission).

Conditions:
Familial colorectal cancer. Identifiers: MedGen CN280943, MONDO:0023113. Disease mechanism: loss of function.

Allele frequency attached by ClinVar (database versions not stated): gnomAD 0.00005.
gnomAD v4.1: 7 of 145,760 alleles (0.0048%); highest among the groups gnomAD compares: African/African-American, 0.0076%; no homozygotes.

Submission:

Systems Biology Platform Zhejiang California International NanoSystems Institute
Classification: other for Familial colorectal cancer. Review status: no assertion criteria provided. Collection method: not provided. Allele origin: unknown.
ClinVar note: Converted during submission from cancer to other.

NM_000038.6(APC):c.-18-7625A>G

Gene: APC (APC regulator of WNT signaling pathway; plus strand). Cytogenetic location: 5q22.2.
Variant type: single nucleotide variant.
Coding change: c.-18-7625A>G on transcript NM_000038.6 (MANE Select); 7625 bases into the intron before 18 bases upstream of the start codon, A replaced by G.
Molecular consequence: intron variant.
Genome position (GRCh38, 1-based): chr5:112,747,248, A>G. VCF-style: chr5-112747248-A-G. GRCh37 (hg19) VCF-style: chr5-112082945-A-G.
Other names: c.-18-7625A>G (NM_001354895.2, NM_001127510.3, NM_001354896.2 and 2 more transcripts); c.166-19078A>G (NM_001354897.2, NM_001354902.2, NM_001127511.3); c.60+8788A>G (NM_001354898.2, NM_001354904.2); c.-1053-7625A>G (NM_001354906.2); c.-43+9323A>G (NM_001354900.2, NM_001354901.2, NM_001354905.2).
Identifiers: ClinVar variation 82789 (VCV000082789.2), dbSNP rs2112210, ClinGen allele CA006213.